The following is an entry in ClinVar:

ClinVar aggregate classification (germline): Pathogenic (1 of 4 stars; one submission).

Conditions:
Malignant hyperthermia, susceptibility to, 5 (MHS5). Also called: CACNA1S-Related Malignant Hyperthermia Susceptibility. Identifiers: Orphanet 423, MedGen C1866077, MONDO:0011163, OMIM 601887.
Hypokalemic periodic paralysis, type 1. Also called: Hypokalemic Periodic Paralysis Type 1 (AD); HypoPP. Identifiers: Orphanet 681, MedGen C3714580, MONDO:0042979, OMIM 170400.

Submission:

Labcorp Genetics (formerly Invitae), Labcorp
Classification: Pathogenic for Hypokalemic periodic paralysis, type 1; Malignant hyperthermia, susceptibility to, 5. Last evaluated: 2022-04-09. Review status: criteria provided, single submitter. Criteria: Invitae Variant Classification Sherloc (09022015). Collection method: clinical testing. Allele origin: germline.
Comment: This sequence change creates a premature translational stop signal (p.Trp1391*) in the CACNA1S gene. It is expected to result in an absent or disrupted protein product. Loss-of-function variants in CACNA1S are known to be pathogenic (PMID: 26247046, 28012042). This variant is not present in population databases (gnomAD no frequency). This variant has not been reported in the literature in individuals affected with CACNA1S-related conditions. For these reasons, this variant has been classified as Pathogenic.

Literature cited by the submitters: PubMed 26247046; PubMed 28012042.

NM_000069.3(CACNA1S):c.4172G>A (p.Trp1391Ter)

Gene: CACNA1S (calcium voltage-gated channel subunit alpha1 S; minus strand). Cytogenetic location: 1q32.1.
Variant type: single nucleotide variant.
Coding change: c.4172G>A on transcript NM_000069.3 (MANE Select); coding-DNA position 4172, G replaced by A.
Protein change: p.Trp1391Ter; replaces tryptophan 1391 with a stop codon.
Molecular consequence: nonsense.
Genome position (GRCh38, 1-based): chr1:201,050,458, C>T on the plus strand (G>A on the coding strand, the complement: CACNA1S is on the minus strand). VCF-style: chr1-201050458-C-T. GRCh37 (hg19) VCF-style: chr1-201019586-C-T.
Other names: short protein forms W1391*.
Identifiers: ClinVar variation 2174972 (VCV002174972.4), dbSNP rs2464443951, ClinGen allele CA344148481.